The following is an entry in ClinVar:

NM_006343.3(MERTK):c.1921A>C (p.Met641Leu)

Gene: MERTK (MER proto-oncogene, tyrosine kinase; plus strand). Cytogenetic location: 2q13.
Variant type: single nucleotide variant.
Coding change: c.1921A>C on transcript NM_006343.3 (MANE Select); coding-DNA position 1921, A replaced by C.
Protein change: p.Met641Leu; replaces methionine 641 with leucine.
Molecular consequence: missense variant.
Genome position (GRCh38, 1-based): chr2:112,008,436, A>C. VCF-style: chr2-112008436-A-C. GRCh37 (hg19) VCF-style: chr2-112766013-A-C.
Other names: short protein forms M641L.
Identifiers: ClinVar variation 1420730 (VCV001420730.6), dbSNP rs776467961, ClinGen allele CA1831589.

ClinVar aggregate classification (germline): Uncertain significance (1 of 4 stars; one submission).

Allele frequency attached by ClinVar (database versions not stated): ExAC 0.00001; gnomAD exomes 0.00001.
gnomAD v4.1: 4 of 1,614,186 alleles (0.00025%); highest among the groups gnomAD compares: Non-Finnish European, 0.00017%; no homozygotes.

Submission:

Labcorp Genetics (formerly Invitae), Labcorp
Classification: Uncertain significance. Last evaluated: 2021-11-06. Review status: criteria provided, single submitter. Criteria: Invitae Variant Classification Sherloc (09022015). Collection method: clinical testing. Allele origin: germline.
Comment: This sequence change replaces methionine, which is neutral and non-polar, with leucine, which is neutral and non-polar, at codon 641 of the MERTK protein (p.Met641Leu). This variant is present in population databases (rs776467961, gnomAD 0.004%). This variant has not been reported in the literature in individuals affected with MERTK-related conditions. Algorithms developed to predict the effect of missense changes on protein structure and function are either unavailable or do not agree on the potential impact of this missense change (SIFT: "Tolerated"; PolyPhen-2: "Possibly Damaging"; Align-GVGD: "Class C0"). In summary, the available evidence is currently insufficient to determine the role of this variant in disease. Therefore, it has been classified as a Variant of Uncertain Significance.